The following is an entry in ClinVar:

ClinVar aggregate classification (germline): Uncertain significance. Review status: criteria provided, multiple submitters, no conflicts (2 of 4 stars). 2 submissions from 2 submitters: Uncertain significance (2). Last evaluated 2025-03-12.

Conditions:
Cardiovascular phenotype. Identifiers: MedGen CN230736.
Hereditary cancer-predisposing syndrome. Also called: Hereditary neoplastic syndrome; Hereditary Cancer Syndrome; Tumor predisposition; Neoplastic Syndromes, Hereditary. Identifiers: Orphanet 140162, MedGen C0027672, MeSH D009386, MONDO:0015356.
Neurofibromatosis, type 1 (NF1). Also called: Neurofibromatosis, type I; Peripheral type neurofibromatosis; VON RECKLINGHAUSEN DISEASE; NEUROFIBROMATOSIS, TYPE I, SOMATIC. Identifiers: Orphanet 636, MedGen C0027831, MONDO:0018975, OMIM 162200. Disease mechanism: loss of function.

Submissions (2):

Ambry Genetics
Classification: Uncertain significance for Cardiovascular phenotype; Hereditary cancer-predisposing syndrome. Last evaluated: 2025-03-12. Review status: criteria provided, single submitter. Criteria: Ambry Variant Classification Scheme 2023. Collection method: clinical testing. Allele origin: germline.
Comment: The p.E688D variant (also known as c.2064A>T), located in coding exon 18 of the NF1 gene, results from an A to T substitution at nucleotide position 2064. The glutamic acid at codon 688 is replaced by aspartic acid, an amino acid with highly similar properties. This amino acid position is conserved. In addition, this alteration is predicted to be deleterious by in silico analysis. Based on the available evidence, the clinical significance of this variant remains unclear.

Labcorp Genetics (formerly Invitae), Labcorp
Classification: Uncertain significance for Neurofibromatosis, type 1. Last evaluated: 2019-10-28. Review status: criteria provided, single submitter. Criteria: Invitae Variant Classification Sherloc (09022015). Collection method: clinical testing. Allele origin: germline.
Comment: In summary, the available evidence is currently insufficient to determine the role of this variant in disease. Therefore, it has been classified as a Variant of Uncertain Significance. Algorithms developed to predict the effect of missense changes on protein structure and function are either unavailable or do not agree on the potential impact of this missense change (SIFT: "Tolerated"; PolyPhen-2: "Possibly Damaging"; Align-GVGD: "Class C0"). This variant has not been reported in the literature in individuals with NF1-related conditions. This variant is not present in population databases (ExAC no frequency). This sequence change replaces glutamic acid with aspartic acid at codon 688 of the NF1 protein (p.Glu688Asp). The glutamic acid residue is moderately conserved and there is a small physicochemical difference between glutamic acid and aspartic acid.

NM_001042492.3(NF1):c.2064A>T (p.Glu688Asp)

Gene: NF1 (neurofibromin 1; plus strand). Cytogenetic location: 17q11.2.
Variant type: single nucleotide variant.
Coding change: c.2064A>T on transcript NM_001042492.3 (MANE Select); coding-DNA position 2064, A replaced by T.
Protein change: p.Glu688Asp; replaces glutamic acid 688 with aspartic acid.
Molecular consequence: missense variant.
Genome position (GRCh38, 1-based): chr17:31,226,497, A>T. VCF-style: chr17-31226497-A-T. GRCh37 (hg19) VCF-style: chr17-29553515-A-T.
Other names: c.2064A>T, p.Glu688Asp (NM_000267.4); short protein forms E688D.
Identifiers: ClinVar variation 966108 (VCV000966108.7), dbSNP rs1354039315, ClinGen allele CA398982141.